The following is an entry in ClinVar:

NM_002878.4(RAD51D):c.263+1503C>T

Genes: RAD51D (RAD51 paralog D; minus strand), RAD51L3-RFFL (RAD51L3-RFFL readthrough; minus strand). Cytogenetic location: 17q12.
Variant type: single nucleotide variant.
Coding change: c.263+1503C>T on transcript NM_002878.4 (MANE Select); 1503 bases into the intron after coding-DNA position 263, C replaced by T.
Molecular consequence: intron variant. On other transcripts: nonsense (1).
Genome position (GRCh38, 1-based): chr17:35,116,998, G>A on the plus strand (C>T on the coding strand, the complement: RAD51D is on the minus strand). VCF-style: chr17-35116998-G-A. GRCh37 (hg19) VCF-style: chr17-33444017-G-A.
Other names: c.184C>T, p.Gln62Ter (NM_001142571.2); c.144+2113C>T (NM_133629.3); short protein forms Q62*.
Identifiers: ClinVar variation 1098799 (VCV001098799.21), dbSNP rs753486358, ClinGen allele CA8499593.
Genomic context (GRCh38, chr17:35,116,998, plus strand): 5'-CCTTCTTCAGAGCATTCCTGACCCCACTCCACGATCTCCCTGCGGGGACCTGAGGCAGCT[G>A]CAGTCCTCCCAGGTTCCCACTTGAGTGCGCCCTCCATGTCTGTTGGATTTATAAACTCCC-3'

ClinVar aggregate classification (germline): Uncertain significance. Review status: criteria provided, single submitter (1 of 4 stars). 2 submissions from 2 submitters: Uncertain significance (1). 1 of the submissions does not count toward it. Last evaluated 2023-08-01.

Conditions:
Gastric cancer. Also called: Malignant tumor of stomach; Stomach cancer. Identifiers: MedGen C0024623, MeSH D013274, MONDO:0001056, OMIM 613659, HP:0012126.

Allele frequency attached by ClinVar (database versions not stated): gnomAD exomes below 0.00001; ExAC 0.00001; gnomAD 0.00001; TOPMed 0.00001.
gnomAD v4.1: 7 of 1,613,746 alleles (0.00043%); highest among the groups gnomAD compares: East Asian, 0.013%; no homozygotes.

Submissions (2):

Women's Health and Genetics/Laboratory Corporation of America, LabCorp
Classification: Uncertain significance. Last evaluated: 2023-08-01. Review status: criteria provided, single submitter. Criteria: LabCorp Variant Classification Summary - May 2015. Collection method: clinical testing. Allele origin: germline.
Comment: Variant summary: RAD51D c.263+1503C>T is located at a position not widely known to affect splicing. 4/4 computational tools predict no significant impact on normal splicing. However, these predictions have yet to be confirmed by functional studies. The variant allele was found at a frequency of 4e-06 in 248686 control chromosomes (gnomAD). The available data on variant occurrences in the general population are insufficient to allow any conclusion about variant significance. Although this variant is located in a deeply intronic location in the canonical transcript NM_002878 and some others, the variant correlates to exonic location c.184C>T in the non-canonical transcript NM_001142571, encoding a nonsense change p.Gln62X. NM_001142571: c.184C>T (p.Gln62X) has been reported in the literature as a germline variant in one individual affected with Breast Cancer (e.g. Hata_2020), one individual affected with lung cancer (e.g. Tlemsani_2021) and one somatic occurrence has also been reported (e.g. Jiang_2016). These reports do not provide unequivocal conclusions about association of the variant with Hereditary Breast And Ovarian Cancer Syndrome. To our knowledge, no experimental evidence demonstrating an impact on protein function has been reported. The following publications have been ascertained in the context of this evaluation (PMID: 27093186, 32029870, 33504652). One submitter has cited clinical-significance assessments for this variant to ClinVar after 2014 and has classified the variant as pathogenic. Based on the evidence outlined above, the variant was classified as uncertain significance.

Laboratory for Genotyping Development, RIKEN
Classification: Pathogenic for Gastric cancer. Last evaluated: 2021-07-01. Review status: no assertion criteria provided. Collection method: research. Allele origin: germline. Not counted in ClinVar's aggregate classification.

Literature cited by the submitters: PubMed 27093186 (cited by Women's Health and Genetics/Laboratory Corporation of America, LabCorp); PubMed 32029870 (cited by Women's Health and Genetics/Laboratory Corporation of America, LabCorp); PubMed 33504652 (cited by Women's Health and Genetics/Laboratory Corporation of America, LabCorp); PubMed 36988593 (cited by Laboratory for Genotyping Development, RIKEN).